The following is an entry in ClinVar:

ClinVar aggregate classification (germline): Uncertain significance (0 of 4 stars; one submission).

Conditions:
AGL-related disorder. Also called: AGL-related condition.

gnomAD v4.1: 3 of 1,613,892 alleles (0.00019%); highest among the groups gnomAD compares: Admixed American, 0.0033%; no homozygotes.

Submission:

PreventionGenetics, part of Exact Sciences
Classification: Uncertain significance for AGL-related condition. Last evaluated: 2024-03-12. Review status: no assertion criteria provided. Collection method: clinical testing. Allele origin: germline.
Comment: The AGL c.131T>G variant is predicted to result in the amino acid substitution p.Val44Gly. To our knowledge, this variant has not been reported in the literature. This variant is reported in 0.0029% of alleles in individuals of Latino descent in gnomAD. At this time, the clinical significance of this variant is uncertain due to the absence of conclusive functional and genetic evidence.

NM_000642.3(AGL):c.131T>G (p.Val44Gly)

Gene: AGL (amylo-alpha-1, 6-glucosidase, 4-alpha-glucanotransferase; plus strand). Cytogenetic location: 1p21.2.
Variant type: single nucleotide variant.
Coding change: c.131T>G on transcript NM_000642.3 (MANE Select); coding-DNA position 131, T replaced by G.
Protein change: p.Val44Gly; replaces valine 44 with glycine.
Molecular consequence: missense variant. On other transcripts: intron variant (1).
Genome position (GRCh38, 1-based): chr1:99,861,551, T>G. VCF-style: chr1-99861551-T-G. GRCh37 (hg19) VCF-style: chr1-100327107-T-G.
Other names: c.131T>G, p.Val44Gly (NM_000028.3, NM_000643.3, NM_000644.3 and 5 more transcripts); c.83T>G, p.Val28Gly (NM_000646.3); c.83-2835T>G (NM_001425332.1); short protein forms V28G, V44G.
Identifiers: ClinVar variation 3356989 (VCV003356989.1).